The following is an entry in ClinVar:

NM_001130987.2(DYSF):c.3957+1del

Genes: DYSF (dysferlin; plus strand), LOC122787137 (CDK7 strongly-dependent group 2 enhancer GRCh37_chr2:71829831-71831030; plus strand). Cytogenetic location: 2p13.2.
Variant type: Deletion.
Coding change: c.3957+1del on transcript NM_001130987.2 (MANE Select); the canonical splice donor site of the intron after coding-DNA position 3957, one base deleted (G; older notation c.3957+1delG).
Molecular consequence: splice donor variant.
Genome position (GRCh38, 1-based): chr2:71,602,806, G deleted; the last of 2 consecutive G bases (chr2:71,602,805-71,602,806); deleting either gives the same sequence. VCF-style (leftmost placement, unchanged base first): chr2-71602804-AG-A. GRCh37 (hg19) VCF-style: chr2-71829934-AG-A.
Other names: c.3996+1del (NM_001130979.2); c.3954+1del (NM_001130981.2, NM_001130980.2); c.3903+1del (NM_001130978.2, NM_003494.4); c.3861+1del (NM_001130977.2, NM_001130976.2); c.3999+1del (NM_001130982.2); c.3957+1del (NM_001130985.2); c.3906+1del (NM_001130983.2, NM_001130455.2); c.3864+1del (NM_001130984.2, NM_001130986.2).
Identifiers: ClinVar variation 5004316 (VCV005004316.1).
Genomic context (GRCh38, chr2:71,602,804, plus strand): 5'-TGGATGTGCCACATCCCATGGCTGTGGGCCAGGTGCAGGAGACATCAAGGATCCTGGATG[AG>A]GTGAGCTGGGCGTGGTGGTTGGGATGGGTGGGCCGAGGTAGAGGGAAGGTGAAGCCAGCC-3'

ClinVar aggregate classification (germline): Uncertain significance (1 of 4 stars; one submission).

Conditions:
Autosomal recessive limb-girdle muscular dystrophy. Identifiers: Orphanet 102015, MedGen C2931907, MONDO:0015152.

Submission:

Myriad Genetics, Inc.
Classification: Uncertain significance for Autosomal recessive limb-girdle muscular dystrophy. Last evaluated: 2025-12-05. Review status: criteria provided, single submitter. Criteria: Myriad Autosomal Dominant, Autosomal Recessive and X-Linked Classification Criteria (2023). Collection method: clinical testing. Allele origin: unknown.
Comment: NM_003494.3(DYSF):c.3903+1delG is a variant in a canonical splice site classified as a variant of uncertain significance in the context of dysferlinopathy. c.3903+1delG has not been observed in cases with relevant disease. Relevant functional assessments of this variant are not available in the literature. c.3903+1delG has been observed in referenced population frequency databases. In summary, there is insufficient evidence to classify NM_003494.3(DYSF):c.3903+1delG as pathogenic or benign. Please note: this variant was assessed in the context of healthy population screening.